The following is an entry in ClinVar:

NM_018834.6(MATR3):c.*747G>C

Gene: MATR3 (matrin 3; plus strand). Cytogenetic location: 5q31.2.
Variant type: single nucleotide variant.
Coding change: c.*747G>C on transcript NM_018834.6 (MANE Select); 747 bases downstream of the stop codon, G replaced by C.
Molecular consequence: 3 prime UTR variant.
Genome position (GRCh38, 1-based): chr5:139,330,142, G>C. VCF-style: chr5-139330142-G-C. GRCh37 (hg19) VCF-style: chr5-138665831-G-C.
Other names: c.*747G>C (NM_001194954.2, NM_001194955.2, NM_001194956.2 and 2 more transcripts).
Identifiers: ClinVar variation 351160 (VCV000351160.5), dbSNP rs181792838, ClinGen allele CA3433572.

ClinVar aggregate classification (germline): Benign (1 of 4 stars; one submission).

Conditions:
Amyotrophic lateral sclerosis type 21. Also called: VOCAL CORD AND PHARYNGEAL DYSFUNCTION WITH DISTAL MYOPATHY; MYOPATHY, DISTAL, 2. Identifiers: Orphanet 600, Orphanet 803, MedGen C3807521, MONDO:0011632, OMIM 606070.

Allele frequency attached by ClinVar (database versions not stated): 1000 Genomes Project 0.00120; ExAC 0.00122; 1000 Genomes Project 30x 0.00141; gnomAD exomes 0.00341 and 0.00417; TOPMed 0.00346; gnomAD 0.00380 and 0.00392.
gnomAD v4.1: 1,822 of 454,314 alleles (0.4%); highest among the groups gnomAD compares: Non-Finnish European, 0.65%; 7 homozygotes.

Submission:

Illumina Laboratory Services, Illumina
Classification: Benign for Amyotrophic lateral sclerosis type 21. Last evaluated: 2018-01-13. Review status: criteria provided, single submitter. Criteria: ICSL Variant Classification Criteria 13 December 2019. Collection method: clinical testing. Allele origin: germline.
Comment: This variant was observed in the ICSL laboratory as part of a predisposition screen in an ostensibly healthy population. It had not been previously curated by ICSL or reported in the Human Gene Mutation Database (HGMD: prior to June 1st, 2018), and was therefore a candidate for classification through an automated scoring system. Utilizing variant allele frequency, disease prevalence and penetrance estimates, and inheritance mode, an automated score was calculated to assess if this variant is too frequent to cause the disease. Based on the score and internal cut-off values, a variant classified as benign is not then subjected to further curation. The score for this variant resulted in a classification of benign for this disease.